The following is an entry in ClinVar:

ClinVar aggregate classification (germline): Likely pathogenic (1 of 4 stars; one submission).

Conditions:
Dilated cardiomyopathy 1G (CMD1G). Identifiers: Orphanet 154, MedGen C1858763, MONDO:0011400, OMIM 604145.
Autosomal recessive limb-girdle muscular dystrophy type 2J (LGMDR10). Also called: Limb-girdle muscular dystrophy, type 2J; MUSCULAR DYSTROPHY, LIMB-GIRDLE, AUTOSOMAL RECESSIVE 10. Identifiers: Orphanet 140922, MedGen C1837342, MONDO:0012127, OMIM 608807.

Submission:

Labcorp Genetics (formerly Invitae), Labcorp
Classification: Likely pathogenic for Dilated cardiomyopathy 1G; Autosomal recessive limb-girdle muscular dystrophy type 2J. Last evaluated: 2023-08-02. Review status: criteria provided, single submitter. Criteria: Invitae Variant Classification Sherloc (09022015). Collection method: clinical testing. Allele origin: germline.
Comment: This variant is located in the A band of TTN (PMID: 25589632). Truncating variants in this region are significantly overrepresented in patients affected with dilated cardiomyopathy (PMID: 25589632). Truncating variants in this region have also been reported in individuals affected with autosomal recessive centronuclear myopathy (PMID: 23975875). In summary, the currently available evidence indicates that the variant is pathogenic, but additional data are needed to prove that conclusively. Therefore, this variant has been classified as Likely Pathogenic. Algorithms developed to predict the effect of sequence changes on RNA splicing suggest that this variant may disrupt the consensus splice site. This variant has not been reported in the literature in individuals affected with TTN-related conditions. This variant is not present in population databases (gnomAD no frequency). This sequence change affects a donor splice site in intron 261 of the TTN gene. It is expected to disrupt RNA splicing and likely results in a truncated or disrupted TTN protein.

Literature cited by the submitters: PubMed 25589632; PubMed 23975875.

NM_001267550.2(TTN):c.49048+1G>A

Genes: TTN-AS1 (TTN antisense RNA 1; plus strand), TTN (titin; minus strand), LOC126806426 (BRD4-independent group 4 enhancer GRCh37_chr2:179478848-179480047; plus strand). Cytogenetic location: 2q31.2.
Variant type: single nucleotide variant.
Coding change: c.49048+1G>A on transcript NM_001267550.2 (MANE Select); the canonical splice donor site of the intron after coding-DNA position 49048, G replaced by A.
Molecular consequence: splice donor variant. On other transcripts: non-coding transcript variant (1).
Genome position (GRCh38, 1-based): chr2:178,614,465, C>T on the plus strand (G>A on the coding strand, the complement: TTN is on the minus strand). VCF-style: chr2-178614465-C-T. GRCh37 (hg19) VCF-style: chr2-179479192-C-T.
Other names: c.21853+1G>A (NM_003319.4); c.22429+1G>A (NM_133437.4); c.22228+1G>A (NM_133432.3); c.41344+1G>A (NM_133378.4); c.44125+1G>A (NM_001256850.1).
Identifiers: ClinVar variation 2950584 (VCV002950584.3), dbSNP rs2470671707, ClinGen allele CA349606886.